The following is an entry in ClinVar:

NM_005159.5(ACTC1):c.1129T>G (p.Phe377Val)

Genes: ACTC1 (actin alpha cardiac muscle 1; minus strand), GJD2-DT (GJD2 divergent transcript; plus strand). Cytogenetic location: 15q14.
Variant type: single nucleotide variant.
Coding change: c.1129T>G on transcript NM_005159.5 (MANE Select); coding-DNA position 1129, T replaced by G.
Protein change: p.Phe377Val; replaces phenylalanine 377 with valine.
Molecular consequence: missense variant.
Genome position (GRCh38, 1-based): chr15:34,790,417, A>C on the plus strand (T>G on the coding strand, the complement: ACTC1 is on the minus strand). VCF-style: chr15-34790417-A-C. GRCh37 (hg19) VCF-style: chr15-35082618-A-C.
Other names: short protein forms F377V.
Identifiers: ClinVar variation 1508692 (VCV001508692.8), dbSNP rs2140428902, ClinGen allele CA391628446.

ClinVar aggregate classification (germline): Uncertain significance (1 of 4 stars; one submission).

Conditions:
Hypertrophic cardiomyopathy 11. Also called: ACTC1-Related Familial Hypertrophic Cardiomyopathy. Identifiers: MedGen C2677506, MONDO:0012799, OMIM 612098.
Dilated cardiomyopathy 1R (CMD1R). Identifiers: Orphanet 154, Orphanet 54260, MedGen C3150681, MONDO:0013261, OMIM 613424.
Atrial septal defect 5 (ASD5). Identifiers: Orphanet 1478, MedGen C2748552, MONDO:0013011, OMIM 612794.

Submission:

Labcorp Genetics (formerly Invitae), Labcorp
Classification: Uncertain significance for Dilated cardiomyopathy 1R; Hypertrophic cardiomyopathy 11; Atrial septal defect 5. Last evaluated: 2021-07-26. Review status: criteria provided, single submitter. Criteria: Invitae Variant Classification Sherloc (09022015). Collection method: clinical testing. Allele origin: germline.
Comment: In summary, the available evidence is currently insufficient to determine the role of this variant in disease. Therefore, it has been classified as a Variant of Uncertain Significance. Algorithms developed to predict the effect of missense changes on protein structure and function (SIFT, PolyPhen-2, Align-GVGD) all suggest that this variant is likely to be disruptive, but these predictions have not been confirmed by published functional studies and their clinical significance is uncertain. This variant has not been reported in the literature in individuals with ACTC1-related conditions. This variant is not present in population databases (ExAC no frequency). This sequence change replaces phenylalanine with valine at codon 377 of the ACTC1 protein (p.Phe377Val). The phenylalanine residue is highly conserved and there is a small physicochemical difference between phenylalanine and valine.